The following is an entry in ClinVar:

ClinVar aggregate classification (germline): Uncertain significance. Review status: reviewed by expert panel (3 of 4 stars). 6 submissions from 6 submitters: Uncertain significance (1). 5 of the submissions do not count toward it. Last evaluated 2026-08-27.

Conditions:
BRCA1-related cancer predisposition. Identifiers: MedGen CN377757, MONDO:0700268.
Hereditary cancer-predisposing syndrome. Also called: Hereditary Cancer Syndrome; Neoplastic Syndromes, Hereditary; Hereditary neoplastic syndrome; Tumor predisposition. Identifiers: Orphanet 140162, MedGen C0027672, MeSH D009386, MONDO:0015356.
Hereditary breast ovarian cancer syndrome. Also called: Hereditary breast and ovarian cancer syndrome (HBOC); Breast and ovarian cancer; Hereditary breast and ovarian cancer syndrome; Hereditary breast and ovarian cancer; BRCA1- and BRCA2-Associated Hereditary Breast and Ovarian Cancer; Hereditary breast and/or ovarian cancer syndrome. Identifiers: Orphanet 145, MedGen C0677776, MeSH D061325, MONDO:0003582. Disease mechanism: loss of function.
Breast-ovarian cancer, familial, susceptibility to, 1 (BROVCA1). Also called: BRCA1 Hereditary Breast and Ovarian Cancer; OVARIAN CANCER, SUSCEPTIBILITY TO. Identifiers: Orphanet 145, MedGen C2676676, MONDO:0011450, OMIM 604370. Disease mechanism: loss of function.

Submissions (6):

ClinGen ENIGMA BRCA1 and BRCA2 Variant Curation Expert Panel, ClinGen
Classification: Uncertain significance for BRCA1-related cancer predisposition. Last evaluated: 2026-08-27. Review status: reviewed by expert panel. Criteria: CSpec BRCA1/2ACMG Rules Specifications V1.2. Collection method: curation. Allele origin: germline. Inheritance: Autosomal dominant inheritance.
Comment: The c.626del variant in BRCA1 is a deletion of a single cytosine nucleotide, predicted to encode a frameshift with consequent premature termination of the protein at codon 25 of the frameshift, or amino acid 234 (p.(Pro206Leufs*25)). This deletion variant was not observed in gnomAD v4.1, but PM2_Supporting was not applied since recall is suboptimal for this type of variant (PM2_Supporting not met). Frameshift variant in exon 9(10) predicted to cause a premature stop codon in exon 10(11). Exon 9(10) is absent from biologically relevant transcript. This isoform, the in-frame Δ8,9 (Δ9,10), can functionally rescue BRCA1 function at normal levels seen in controls (PMID:24569164 and 27008870) (PVS1_N/A). The ENIGMA BRCA1/2 VCEP considered multiple lines of functional and clinical evidence to define exon-specific weights for PTC in BRCA1; there was insufficient evidence available to assess weight for a PTC variant in BRCA1 Exon 9(10) at the time of PM5 calibration analysis (PM5_N/A (PTC)). In summary, this variant did not meet any criteria and is classified as a Variant of uncertain significance for BRCA1-related cancer predisposition based on the ACMG/AMP criteria applied as specified by the ENIGMA BRCA1/2 VCEP (v1.2).

Baylor Genetics
Classification: Likely pathogenic for Breast-ovarian cancer, familial, susceptibility to, 1. Last evaluated: 2023-11-09. Review status: criteria provided, single submitter. Criteria: ACMG Guidelines, 2015. Collection method: clinical testing. Allele origin: unknown. Not counted in ClinVar's aggregate classification.

All of Us Research Program, National Institutes of Health
Classification: Uncertain significance for Breast-ovarian cancer, familial, susceptibility to, 1. Last evaluated: 2023-09-04. Review status: criteria provided, single submitter. Criteria: ACMG Guidelines, 2015. Collection method: clinical testing. Allele origin: germline. Inheritance: Autosomal dominant inheritance. Observed: 1 variant allele, 1 heterozygote. Not counted in ClinVar's aggregate classification.
Comment: This variant changes 1 nucleotides in exon 9 of the BRCA1 gene, creating a premature translation stop signal. This variant is expected to result in the absence of full-length protein product. This variant has not been identified in the general population by the Genome Aggregation Database (gnomAD). Truncation variants in the vicinity of exons 8 and 9 have been reported in three individuals affected with high-risk breast cancer and/or ovarian cancer (PMID: 12203997, 12815604, 15642173, 33649982) and in a suspected hereditary breast and ovarian cancer family (PMID: 8764110). In one study, an exon 9 frameshift variant (c.594_597del) has been observed in compound heterozygosity with a known pathogenic missense variant, in an individual diagnosed with Fanconi anemia (PMID: 25472942). This presentation suggests that the exon 9 variant contributed to the development of disease. However, two splicing variants c.591C>T and c.594-2A>C that have been demonstrated to cause a premature translation stop signal and have been reported in individuals affected with breast and ovarian cancer, as well as in healthy unaffected individuals (PMID: 16211554, 19892845, 25639900, 27008870). The case-control, health history, tumor pathology and segregation data for the c.594-2A>C variant either indicate that this variant is not pathogenic or that pathogenicity is inconclusive (PMID: 25639900, 27008870). In these carriers, there is a relative increase in the skipping of exons 8 and 9 by pre-mRNA splicing that is expected to cause a small in-frame deletion of 41 amino acids from the reference protein (1884 amino acids) (PMID: 19892845, 27008870). An interpretation of these findings is that a BRCA1 mRNA isoform lacking exons 8 and 9 is normally produced and is functional. This alternate mRNA isoform is expected to be refractory to frameshift, nonsense and splicing defective variants found in exons 8 and 9 (PMID: 27008870). RNA studies have confirmed the appearance of the skipping of exons 8 and 9 in the majority of individuals tested, however, the degree of expression also appears to be highly variable in individuals (PMID: 24569164, 27008870, 28905878, 32133419). Taken together, the available evidence suggests that the expected deleterious effects of this c.626del variant and other truncation variants occurring in exons 8 and 9 could be ameliorated by the expression of the mRNA isoform lacking exons 8 and 9 that retains normal BRCA1 function. Because of the uncertain clinical consequences of this variant, it is classified as a Variant of Uncertain Significance.

This study involves interpretation of variants in research participants for the purpose of population health screening. Participant phenotype was not available at the time of variant classification. Additional details can be found in publication PMID: 35346344, PMCID: PMC8962531

Labcorp Genetics (formerly Invitae), Labcorp
Classification: Uncertain significance for Hereditary breast ovarian cancer syndrome. Last evaluated: 2022-02-21. Review status: criteria provided, single submitter. Criteria: Invitae Variant Classification Sherloc (09022015). Collection method: clinical testing. Allele origin: germline. Not counted in ClinVar's aggregate classification.
Comment: This premature translational stop signal has been observed in individual(s) with clinical features of BRCA1-related conditions (PMID: 29446198). This variant is not present in population databases (gnomAD no frequency). This sequence change creates a premature translational stop signal (p.Pro209Leufs*25) in the BRCA1 gene. Loss-of-function variants in BRCA1 are expected to be pathogenic (PMID: 20104584). However, an in-frame BRCA1 isoform lacking exons 8 and 9 (also known as exons 9 and 10) is highly expressed in blood from unaffected individuals and in normal breast tissue; this isoform may retain protein function and could functionally rescue loss-of-function variants within exons 8-9 (PMID: 24569164). ClinVar contains an entry for this variant (Variation ID: 267609). In summary, the available evidence is currently insufficient to determine the role of this variant in disease. Therefore, it has been classified as a Variant of Uncertain Significance.

Ambry Genetics
Classification: Uncertain significance for Hereditary cancer-predisposing syndrome. Last evaluated: 2019-12-12. Review status: criteria provided, single submitter. Criteria: Ambry Variant Classification Scheme 2023. Collection method: clinical testing. Allele origin: germline. Not counted in ClinVar's aggregate classification.
Comment: The c.626delC variant, located in coding exon 8 of the BRCA1 gene, results from a deletion of one nucleotide at nucleotide position 626, causing a translational frameshift with a predicted alternate stop codon (p.P209Lfs*25). This alteration is expected to result in loss of function by premature protein truncation or nonsense-mediated mRNA decay; however, this variant occurs in an exon that is absent in biologically relevant transcripts (Colombo M et al. Hum. Mol. Genet. 2014 Jul;23:3666-80). Since supporting evidence is limited at this time, the clinical significance of this alteration remains unclear.

Consortium of Investigators of Modifiers of BRCA1/2 (CIMBA), c/o University of Cambridge
Classification: Pathogenic for Breast-ovarian cancer, familial, susceptibility to, 1. Last evaluated: 2015-10-02. Review status: criteria provided, single submitter. Criteria: CIMBA Mutation Classification guidelines May 2016. Collection method: clinical testing. Allele origin: germline. Not counted in ClinVar's aggregate classification.

Literature cited by the submitters: PubMed 8764110 (cited by All of Us Research Program, National Institutes of Health); PubMed 12203997 (cited by All of Us Research Program, National Institutes of Health); PubMed 12815604 (cited by All of Us Research Program, National Institutes of Health); PubMed 15642173 (cited by All of Us Research Program, National Institutes of Health); PubMed 16211554 (cited by All of Us Research Program, National Institutes of Health); PubMed 19892845 (cited by All of Us Research Program, National Institutes of Health); PubMed 24569164 (cited by All of Us Research Program, National Institutes of Health and Labcorp Genetics (formerly Invitae), Labcorp); PubMed 25472942 (cited by All of Us Research Program, National Institutes of Health); PubMed 25639900 (cited by All of Us Research Program, National Institutes of Health); PubMed 27008870 (cited by All of Us Research Program, National Institutes of Health); PubMed 28905878 (cited by All of Us Research Program, National Institutes of Health); PubMed 32133419 (cited by All of Us Research Program, National Institutes of Health); PubMed 33649982 (cited by All of Us Research Program, National Institutes of Health); PubMed 29446198 (cited by Labcorp Genetics (formerly Invitae), Labcorp and Ambry Genetics); PubMed 20104584 (cited by Labcorp Genetics (formerly Invitae), Labcorp).

NM_007294.4(BRCA1):c.626del (p.Pro209fs)

Gene: BRCA1 (BRCA1 DNA repair associated; minus strand). Cytogenetic location: 17q21.31.
Variant type: Deletion.
Coding change: c.626del on transcript NM_007294.4 (MANE Select); coding-DNA position 626, one base deleted (C; older notation c.626delC).
Protein change: p.Pro209fs; shifts the reading frame from proline 209.
Molecular consequence: frameshift variant. On other transcripts: non-coding transcript variant (1).
Genome position (GRCh38, 1-based): chr17:43,095,890, G deleted on the plus strand (C on the coding strand, the reverse complement: BRCA1 is on the minus strand); the first of 4 consecutive G bases (chr17:43,095,890-43,095,893); deleting any one gives the same sequence. VCF-style (leftmost placement, unchanged base first): chr17-43095889-AG-A. GRCh37 (hg19) VCF-style: chr17-41247906-AG-A.
Other names: NM_007294.4(BRCA1):c.626del; p.Pro209fs; c.626delC (NM_007294.3); c.410delC, p.Pro138Leufs (NM_001407571.1, NM_001407853.1, NM_001407894.1 and 12 more transcripts); c.623delC, p.Pro209Leufs (NM_001407581.1, NM_001407582.1, NM_001407583.1 and 58 more transcripts); c.620delC, p.Pro208Leufs (NM_001407587.1, NM_001407590.1, NM_001407591.1 and 41 more transcripts); c.614delC, p.Pro206Leufs (NM_001407646.1, NM_001407647.1, NM_001408408.1); c.545delC, p.Pro183Leufs (NM_001407653.1, NM_001407654.1, NM_001407655.1 and 9 more transcripts); and 9 more; short protein forms P209fs, P162fs.
Identifiers: ClinVar variation 267609 (VCV000267609.21), dbSNP rs886040920, ClinGen allele CA10602601.